The following is an entry in ClinVar:

NM_032608.7(MYO18B):c.4315-3C>T

Genes: MYO18B (myosin XVIIIB; plus strand), MYO18B-AS1 (MYO18B antisense RNA 1; minus strand). Cytogenetic location: 22q12.1.
Variant type: single nucleotide variant.
Coding change: c.4315-3C>T on transcript NM_032608.7 (MANE Select); 3 bases into the intron before coding-DNA position 4315, C replaced by T.
Molecular consequence: intron variant.
Genome position (GRCh38, 1-based): chr22:25,890,753, C>T. VCF-style: chr22-25890753-C-T. GRCh37 (hg19) VCF-style: chr22-26286720-C-T.
Other names: c.4318-3C>T (NM_001318245.2).
Identifiers: ClinVar variation 1402558 (VCV001402558.5), dbSNP rs200843818, ClinGen allele CA10160848.

ClinVar aggregate classification (germline): Uncertain significance (1 of 4 stars; one submission).

Allele frequency attached by ClinVar (database versions not stated): ExAC 0.00001; TOPMed 0.00002; gnomAD 0.00005; gnomAD exomes 0.00005.
gnomAD v4.1: 35 of 1,613,726 alleles (0.0022%); highest among the groups gnomAD compares: Non-Finnish European, 0.00042%; no homozygotes.

Submission:

Labcorp Genetics (formerly Invitae), Labcorp
Classification: Uncertain significance. Last evaluated: 2025-06-18. Review status: criteria provided, single submitter. Criteria: Invitae Variant Classification Sherloc (09022015). Collection method: clinical testing. Allele origin: germline.
Comment: This sequence change falls in intron 25 of the MYO18B gene. It does not directly change the encoded amino acid sequence of the MYO18B protein. It affects a nucleotide within the consensus splice site. This variant is present in population databases (rs200843818, gnomAD 0.1%). This variant has not been reported in the literature in individuals affected with MYO18B-related conditions. ClinVar contains an entry for this variant (Variation ID: 1402558). Variants that disrupt the consensus splice site are a relatively common cause of aberrant splicing (PMID: 17576681, 9536098). Algorithms developed to predict the effect of sequence changes on RNA splicing suggest that this variant is not likely to affect RNA splicing. In summary, the available evidence is currently insufficient to determine the role of this variant in disease. Therefore, it has been classified as a Variant of Uncertain Significance.

Literature cited by the submitters: PubMed 17576681; PubMed 9536098.